The following is an entry in ClinVar:

ClinVar aggregate classification (germline): Uncertain significance (1 of 4 stars; one submission).

Conditions:
Dyskeratosis congenita, autosomal recessive 5 (DKCB5). Identifiers: MedGen C3554656, MONDO:0014076, OMIM 615190.
Pulmonary fibrosis and/or bone marrow failure, Telomere-related, 3. Also called: PULMONARY FIBROSIS AND/OR BONE MARROW FAILURE SYNDROME, TELOMERE-RELATED, 3. Identifiers: Orphanet 2032, MedGen C4225346, MONDO:0014613, OMIM 616373.

Allele frequency attached by ClinVar (database versions not stated): gnomAD 0.00001 and 0.00002; ExAC 0.00005; TOPMed 0.00003.
gnomAD v4.1: 30 of 1,603,538 alleles (0.0019%); highest among the groups gnomAD compares: Admixed American, 0.0068%; no homozygotes.

Submission:

Labcorp Genetics (formerly Invitae), Labcorp
Classification: Uncertain significance for Dyskeratosis congenita, autosomal recessive 5; Pulmonary fibrosis and/or bone marrow failure, Telomere-related, 3. Last evaluated: 2025-07-28. Review status: criteria provided, single submitter. Criteria: Invitae Variant Classification Sherloc (09022015). Collection method: clinical testing. Allele origin: germline.
Comment: This sequence change falls in intron 21 of the RTEL1 gene. It does not directly change the encoded amino acid sequence of the RTEL1 protein. It affects a nucleotide within the consensus splice site. This variant is present in population databases (rs764757029, gnomAD 0.008%). This variant has not been reported in the literature in individuals affected with RTEL1-related conditions. ClinVar contains an entry for this variant (Variation ID: 1366594). Variants that disrupt the consensus splice site are a relatively common cause of aberrant splicing (PMID: 17576681, 9536098). Algorithms developed to predict the effect of sequence changes on RNA splicing suggest that this variant is not likely to affect RNA splicing. In summary, the available evidence is currently insufficient to determine the role of this variant in disease. Therefore, it has been classified as a Variant of Uncertain Significance.

Literature cited by the submitters: PubMed 17576681; PubMed 9536098.

NM_001283009.2(RTEL1):c.1800+3C>T

Genes: RTEL1 (regulator of telomere elongation helicase 1; plus strand), RTEL1-TNFRSF6B (RTEL1-TNFRSF6B readthrough (NMD candidate); plus strand). Cytogenetic location: 20q13.33.
Variant type: single nucleotide variant.
Coding change: c.1800+3C>T on transcript NM_001283009.2 (MANE Select); 3 bases into the intron after coding-DNA position 1800, C replaced by T.
Molecular consequence: intron variant.
Genome position (GRCh38, 1-based): chr20:63,688,608, C>T. VCF-style: chr20-63688608-C-T. GRCh37 (hg19) VCF-style: chr20-62319961-C-T.
Other names: c.1131+3C>T (NM_001283010.1); c.1872+3C>T (NM_032957.5); c.1800+3C>T (NM_016434.4).
Identifiers: ClinVar variation 1366594 (VCV001366594.5), dbSNP rs764757029, ClinGen allele CA9964978.